The following is an entry in ClinVar:

NM_002769.5(PRSS1):c.28G>A (p.Val10Met)

Genes: PRSS1 (serine protease 1; plus strand), TRB (T cell receptor beta locus; plus strand). Cytogenetic location: 7q34.
Variant type: single nucleotide variant.
Coding change: c.28G>A on transcript NM_002769.5 (MANE Select); coding-DNA position 28, G replaced by A.
Protein change: p.Val10Met; replaces valine 10 with methionine.
Molecular consequence: missense variant. On other transcripts: non-coding transcript variant (5).
Genome position (GRCh38, 1-based): chr7:142,749,512, G>A. VCF-style: chr7-142749512-G-A. GRCh37 (hg19) VCF-style: chr7-142457363-G-A.
Other names: short protein forms V10M.
Identifiers: ClinVar variation 3222794 (VCV003222794.2), dbSNP rs1159821029, ClinGen allele CA369606987.

ClinVar aggregate classification (germline): Uncertain significance (1 of 4 stars; one submission).

Conditions:
Hereditary pancreatitis (PCTT). Also called: Hereditary chronic pancreatitis; PRSS1-Related Hereditary Pancreatitis. Identifiers: Orphanet 676, MedGen C0238339, MONDO:0008185, OMIM 167800.

Allele frequency attached by ClinVar (database versions not stated): gnomAD exomes below 0.00001; gnomAD 0.00001.

Submission:

Ambry Genetics
Classification: Uncertain significance for Hereditary pancreatitis. Last evaluated: 2025-09-25. Review status: criteria provided, single submitter. Criteria: Ambry Variant Classification Scheme 2023. Collection method: clinical testing. Allele origin: germline.
Comment: The p.V10M variant (also known as c.28G>A), located in coding exon 1 of the PRSS1 gene, results from a G to A substitution at nucleotide position 28. The valine at codon 10 is replaced by methionine, an amino acid with highly similar properties. This amino acid position is conserved. In addition, this alteration is predicted to be tolerated by in silico analysis. Since supporting evidence is limited at this time, the clinical significance of this alteration remains unclear.